The following is an entry in ClinVar:

NC_000017.11:g.(?_31327479)_(31327859_?)del

Gene: NF1 (neurofibromin 1; plus strand). Cytogenetic location: 17q11.2.
Variant type: Deletion.
Identifiers: ClinVar variation 830566 (VCV000830566.2).

ClinVar aggregate classification (germline): Pathogenic (1 of 4 stars; one submission).

Conditions:
Neurofibromatosis, type 1 (NF1). Also called: Neurofibromatosis, type I; Peripheral type neurofibromatosis; VON RECKLINGHAUSEN DISEASE; NEUROFIBROMATOSIS, TYPE I, SOMATIC. Identifiers: Orphanet 636, MedGen C0027831, MONDO:0018975, OMIM 162200. Disease mechanism: loss of function.

Submission:

Labcorp Genetics (formerly Invitae), Labcorp
Classification: Pathogenic for Neurofibromatosis, type 1. Last evaluated: 2021-02-07. Review status: criteria provided, single submitter. Criteria: Invitae Variant Classification Sherloc (09022015). Collection method: clinical testing. Allele origin: germline.
Comment: This variant is an out-of-frame deletion of the genomic region encompassing exon 37 of the NF1 gene. This is expected to create a premature translational stop signal and result in an absent or disrupted protein product. This variant has not been reported in the literature in individuals with NF1-related conditions. Loss-of-function variants in NF1 are known to be pathogenic (PMID: 10712197, 23913538). For these reasons, this variant has been classified as Pathogenic.

Literature cited by the submitters: PubMed 10712197; PubMed 23913538.